The following is an entry in ClinVar:

ClinVar aggregate classification (germline): Conflicting classifications of pathogenicity. Review status: criteria provided, conflicting classifications (1 of 4 stars). 6 submissions from 6 submitters: Pathogenic (1); Uncertain significance (4). 1 of the submissions does not count toward it. Last evaluated 2024-08-06.

Conditions:
Inborn genetic diseases. Identifiers: MedGen C0950123, MeSH D030342.
Late-infantile neuronal ceroid lipofuscinosis. Also called: Jansky-Bielschowsky disease. Identifiers: MedGen C0022340, MONDO:0015674.
MFSD8-related disorders.
Neuronal ceroid lipofuscinosis 7 (CLN7). Also called: MFSD8-Related Neuronal Ceroid-Lipofuscinosis. Identifiers: Orphanet 168491, Orphanet 228366, MedGen C1838571, MONDO:0012588, OMIM 610951.

Allele frequency attached by ClinVar (database versions not stated): gnomAD 0.00001; gnomAD exomes 0.00001; ExAC 0.00002; ESP Exome Variant Server 0.00008; 1000 Genomes Project 0.00020; 1000 Genomes Project 30x 0.00031.
gnomAD v4.1: 4 of 1,611,904 alleles (0.00025%); highest among the groups gnomAD compares: South Asian, 0.0022%; no homozygotes.

Submissions (6):

Women's Health and Genetics/Laboratory Corporation of America, LabCorp
Classification: Uncertain significance. Last evaluated: 2024-08-06. Review status: criteria provided, single submitter. Criteria: LabCorp Variant Classification Summary - May 2015. Collection method: clinical testing. Allele origin: germline.
Comment: Variant summary: MFSD8 c.104G>A (p.Arg35Gln) results in a conservative amino acid change located in the Major facilitator superfamily domain (IPR020846) of the encoded protein sequence. Four of five in-silico tools predict a damaging effect of the variant on protein function. The variant allele was found at a frequency of 8e-06 in 250812 control chromosomes. c.104G>A has been reported in the literature in at-least two individuals affected with adult-onset neuronal ceroid lipofuscinosis type 7 (He_2023)and Teenage-onset cone dystrophy, in which the variant was in cis with another VUS missense and in trans with a nonsense varint in MFSD8 (Poncet_2022). These data indicate that the variant may be associated with disease. To our knowledge, no experimental evidence demonstrating an impact on protein function has been reported. The following publications have been ascertained in the context of this evaluation (PMID: 36972931, 35457110). ClinVar contains an entry for this variant (Variation ID: 588744). Based on the evidence outlined above, the variant was classified as VUS-possibly pathogenic.

Blueprint Genetics
Classification: Pathogenic for MFSD8-related disorders. Last evaluated: 2022-09-23. Review status: criteria provided, single submitter. Criteria: ACMG Guidelines, 2015. Collection method: clinical testing. Allele origin: germline. Affected: yes. Observed: 2 variant alleles.

Labcorp Genetics (formerly Invitae), Labcorp
Classification: Uncertain significance for Neuronal ceroid lipofuscinosis 7. Last evaluated: 2022-09-07. Review status: criteria provided, single submitter. Criteria: Invitae Variant Classification Sherloc (09022015). Collection method: clinical testing. Allele origin: germline.
Comment: This sequence change replaces arginine, which is basic and polar, with glutamine, which is neutral and polar, at codon 35 of the MFSD8 protein (p.Arg35Gln). This variant is present in population databases (rs146596875, gnomAD 0.002%). This variant has not been reported in the literature in individuals affected with MFSD8-related conditions. ClinVar contains an entry for this variant (Variation ID: 588744). Algorithms developed to predict the effect of missense changes on protein structure and function are either unavailable or do not agree on the potential impact of this missense change (SIFT: "Tolerated"; PolyPhen-2: "Probably Damaging"; Align-GVGD: "Class C0"). Algorithms developed to predict the effect of sequence changes on RNA splicing suggest that this variant may disrupt the consensus splice site. In summary, the available evidence is currently insufficient to determine the role of this variant in disease. Therefore, it has been classified as a Variant of Uncertain Significance.

Mendelics
Classification: Uncertain significance. Last evaluated: 2022-05-04. Review status: criteria provided, single submitter. Criteria: Mendelics Assertion Criteria 2019. Collection method: clinical testing. Allele origin: germline.

Ambry Genetics
Classification: Uncertain significance for Inborn genetic diseases. Last evaluated: 2017-02-03. Review status: criteria provided, single submitter. Criteria: Ambry Variant Classification Scheme 2023. Collection method: clinical testing. Allele origin: germline.
Comment: The p.R35Q variant (also known as c.104G>A), located in coding exon 2 of the MFSD8 gene, results from a G to A substitution at nucleotide position 104. The arginine at codon 35 is replaced by glutamine, an amino acid with highly similar properties. This amino acid position is highly conserved in available vertebrate species. In addition, the in silico prediction for this alteration is inconclusive. Since supporting evidence is limited at this time, the clinical significance of this alteration remains unclear.

Natera, Inc.
Classification: Uncertain significance for Late-infantile neuronal ceroid lipofuscinosis. Last evaluated: 2021-07-13. Review status: no assertion criteria provided. Collection method: clinical testing. Allele origin: germline. Not counted in ClinVar's aggregate classification.

Literature cited by the submitters: PubMed 36972931 (cited by Women's Health and Genetics/Laboratory Corporation of America, LabCorp); PubMed 35457110 (cited by Women's Health and Genetics/Laboratory Corporation of America, LabCorp).

NM_001371596.2(MFSD8):c.104G>A (p.Arg35Gln)

Gene: MFSD8 (major facilitator superfamily domain containing 8; minus strand). Cytogenetic location: 4q28.2.
Variant type: single nucleotide variant.
Coding change: c.104G>A on transcript NM_001371596.2 (MANE Select); coding-DNA position 104, G replaced by A.
Protein change: p.Arg35Gln; replaces arginine 35 with glutamine.
Molecular consequence: missense variant. On other transcripts: 5 prime UTR variant (1).
Genome position (GRCh38, 1-based): chr4:127,957,551, C>T on the plus strand (G>A on the coding strand, the complement: MFSD8 is on the minus strand). VCF-style: chr4-127957551-C-T. GRCh37 (hg19) VCF-style: chr4-128878706-C-T.
Other names: c.104G>A, p.Arg35Gln (NM_001363520.3, NM_001363521.3, NM_001371591.2 and 5 more transcripts); c.-32G>A (NM_001371590.2, NM_001371595.1, NM_001410765.1); short protein forms R35Q.
Identifiers: ClinVar variation 588744 (VCV000588744.13), dbSNP rs146596875, ClinGen allele CA3077572.
Genomic context (GRCh38, chr4:127,957,551, plus strand): 5'-TAATACTTACCTACACTGCTGAGAAACATAGTAAGATATAAAATCCTAATAGATCTCCAT[C>T]GGCTCTTATAATGCTCTTCAGTCTCTAAAATGTCCCATTCTCTAGGTGTAAAGAAGAAAA-3'
Protein context (NP_001358525.1, residues 25-45): ILETEEHYKS[Arg35Gln]WRSIRILYLT